The following is an entry in ClinVar:

NC_000013.10:g.(?_32944608)_(32946774_?)del

Gene: BRCA2 (BRCA2 DNA repair associated; plus strand). Cytogenetic location: 13q13.1.
Variant type: Deletion.
Identifiers: ClinVar variation 3244187 (VCV003244187.1).

ClinVar aggregate classification (germline): Likely pathogenic (1 of 4 stars; one submission).

Conditions:
Hereditary breast ovarian cancer syndrome. Also called: Hereditary breast and ovarian cancer syndrome; Hereditary breast and ovarian cancer; Hereditary breast and ovarian cancer syndrome (HBOC); Breast and ovarian cancer; Hereditary breast and/or ovarian cancer syndrome; BRCA1- and BRCA2-Associated Hereditary Breast and Ovarian Cancer. Identifiers: Orphanet 145, MedGen C0677776, MeSH D061325, MONDO:0003582. Disease mechanism: loss of function.

Submission:

Labcorp Genetics (formerly Invitae), Labcorp
Classification: Likely pathogenic for Hereditary breast ovarian cancer syndrome. Last evaluated: 2020-09-16. Review status: criteria provided, single submitter. Criteria: Invitae Variant Classification Sherloc (09022015). Collection method: clinical testing. Allele origin: unknown.
Comment: This variant results in the deletion of exon 20 and part of exon 19 (c.8404_8632+1540del) of the BRCA2 gene. It is expected to disrupt RNA splicing and likely results in an absent or disrupted protein product. This variant has not been reported in the literature in individuals with BRCA2-related conditions. Loss-of-function variants in BRCA2 are known to be pathogenic (PMID: 20104584). In summary, the currently available evidence indicates that the variant is pathogenic, but additional data are needed to prove that conclusively. Therefore, this variant has been classified as Likely Pathogenic.

Literature cited by the submitters: PubMed 20104584.